The following is an entry in ClinVar:

NM_000092.5(COL4A4):c.3031G>T (p.Gly1011Ter)

Gene: COL4A4 (collagen type IV alpha 4 chain; minus strand). Cytogenetic location: 2q36.3.
Variant type: single nucleotide variant.
Coding change: c.3031G>T on transcript NM_000092.5 (MANE Select); coding-DNA position 3031, G replaced by T.
Protein change: p.Gly1011Ter; replaces glycine 1011 with a stop codon.
Molecular consequence: nonsense.
Genome position (GRCh38, 1-based): chr2:227,051,096, C>A on the plus strand (G>T on the coding strand, the complement: COL4A4 is on the minus strand). VCF-style: chr2-227051096-C-A. GRCh37 (hg19) VCF-style: chr2-227915812-C-A.
Other names: short protein forms G1011*.
Identifiers: ClinVar variation 1724603 (VCV001724603.2), dbSNP rs2473972925, ClinGen allele CA350839174.

ClinVar aggregate classification (germline): Likely pathogenic (1 of 4 stars; one submission).

Conditions:
Autosomal recessive Alport syndrome (ATS2). Also called: COL4A3-Related Nephropathy; COL4A4 Alport Syndrome and Thin Basement Membrane Nephropathy; ALPORT SYNDROME 2, AUTOSOMAL RECESSIVE; Alport syndrome type 2. Identifiers: Orphanet 63, Orphanet 88919, MedGen C4746745, MONDO:0008762, OMIM 203780.

Allele frequency attached by ClinVar (database versions not stated): gnomAD exomes below 0.00001.
gnomAD v4.1: 1 of 1,614,120 alleles (0.000062%); highest among the groups gnomAD compares: Non-Finnish European, 0.000085%; no homozygotes.

Submission:

Myriad Genetics, Inc.
Classification: Likely pathogenic for Autosomal recessive Alport syndrome. Last evaluated: 2022-02-20. Review status: criteria provided, single submitter. Criteria: Myriad Women's Health Autosomal Recessive and X-Linked Classification Criteria (2021). Collection method: clinical testing. Allele origin: unknown.
Comment: NM_000092.4(COL4A4):c.3031G>T(G1011*) is expected to be pathogenic in the context of COL4A4-related Alport syndrome. This variant is predicted to lead to an abnormal or absent protein product due to the creation of a premature termination codon in COL4A4, a gene where loss-of-function variants are known to be pathogenic. Please note: this variant was assessed in the context of healthy population screening.